The following is an entry in ClinVar:

ClinVar aggregate classification (germline): Pathogenic. Review status: criteria provided, multiple submitters, no conflicts (2 of 4 stars). 8 submissions from 8 submitters: Pathogenic (7). 1 of the submissions does not count toward it. Last evaluated 2025-12-03.

Conditions:
Inborn genetic diseases. Identifiers: MedGen C0950123, MeSH D030342.
AIRE-related disorder. Also called: AIRE-related condition.
Polyglandular autoimmune syndrome, type 1 (APS1). Also called: Whitaker syndrome; Autoimmune polyendocrine syndrome type 1; Autoimmune polyendocrinopathy syndrome, type I; Autoimmune polyendocrinopathy syndrome , type I, with or without reversible metaphyseal dysplasia; AUTOIMMUNE POLYENDOCRINE SYNDROME, TYPE I, WITH OR WITHOUT REVERSIBLE METAPHYSEAL DYSPLASIA; APS I. Identifiers: Orphanet 3453, MedGen C0085859, MONDO:0009411, OMIM 240300.

Submissions (8):

Labcorp Genetics (formerly Invitae), Labcorp
Classification: Pathogenic for Polyglandular autoimmune syndrome, type 1. Last evaluated: 2025-12-03. Review status: criteria provided, single submitter. Criteria: Invitae Variant Classification Sherloc (09022015). Collection method: clinical testing. Allele origin: germline.
Comment: This sequence change creates a premature translational stop signal (p.Leu417Profs*7) in the AIRE gene. It is expected to result in an absent or disrupted protein product. Loss-of-function variants in AIRE are known to be pathogenic (PMID: 11524731, 26141571). This variant is present in population databases (rs776437891, gnomAD 0.005%). This premature translational stop signal has been observed in individuals with autosomal recessive autoimmune polyendocrinopathy-candidiasis-ectodermal dystrophy or autoimmune polyendocrine syndrome (PMID: 10677297, 17118990, 28919897). This variant is also known as C ins 1364-1365. ClinVar contains an entry for this variant (Variation ID: 188935). Algorithms developed to predict the effect of sequence changes on RNA splicing suggest that this variant may disrupt the consensus splice site. For these reasons, this variant has been classified as Pathogenic.

Natera, Inc.
Classification: Pathogenic for Polyglandular autoimmune syndrome type 1. Last evaluated: 2025-05-05. Review status: criteria provided, single submitter. Criteria: Natera Variant Classification Schema (03/2026). Collection method: clinical testing. Allele origin: germline.
Comment: The c.1249dupC variant in AIRE is a frameshift variant predicted to shift the reading frame beginning at codon 417 and leads to a stop codon 7 codons downstream. This variant is expected to result in nonsense mediated decay, truncation, or a dysfunctional protein product. This variant is rare in the general population with a frequency below the threshold expected for the associated phenotype(s). This variant has been observed in one or more individuals affected with the associated recessive disease, as either homozygous or compound heterozygous with a second variant (PMID: 17118990). Given the available evidence, this variant is classified as Pathogenic.

Ambry Genetics
Classification: Pathogenic for Inborn genetic diseases. Last evaluated: 2024-10-29. Review status: criteria provided, single submitter. Criteria: Ambry Variant Classification Scheme 2023. Collection method: clinical testing. Allele origin: germline.
Comment: The c.1249dupC (p.L417Pfs*7) alteration, located in exon 10 (coding exon 10) of the AIRE gene, consists of a duplication of C at position 1249, causing a translational frameshift with a predicted alternate stop codon after 7 amino acids. This alteration is expected to result in loss of function by premature protein truncation or nonsense-mediated mRNA decay. for autosomal recessive autoimmune polyendocrinopathy syndrome type I; however, it is unlikely to be causative of autosomal dominant autoimmune polyendocrinopathy syndrome type I Based on data from gnomAD, the c.1249dupC allele has an overall frequency of 0.002% (5/228802) total alleles studied. The highest observed frequency was 0.005% (5/100434) of European (non-Finnish) alleles. This variant has been identified in the homozygous state and/or in conjunction with other AIRE variants in individuals with features consistent with autoimmune polyendocrinopathy syndrome type I (Wolff, 2007; Cranston, 2022). Based on the available evidence, this alteration is classified as pathogenic.

Women's Health and Genetics/Laboratory Corporation of America, LabCorp
Classification: Pathogenic for Polyglandular autoimmune syndrome, type 1. Last evaluated: 2024-01-11. Review status: criteria provided, single submitter. Criteria: LabCorp Variant Classification Summary - May 2015. Collection method: clinical testing. Allele origin: germline.
Comment: Variant summary: AIRE c.1249dupC (p.Leu417ProfsX7) results in a premature termination codon, predicted to cause a truncation of the encoded protein or absence of the protein due to nonsense mediated decay, which are commonly known mechanisms for disease. The variant allele was found at a frequency of 2e-05 in 197512 control chromosomes (gnomAD). The available data on variant occurrences in the general population are insufficient to allow any conclusion about variant significance. c.1249dupC has been reported in the literature as a biallelic genotype in multiple individuals affected with Autoimmune Polyglandular Syndrome Type 1 (e.g. Bjorses_2000, Halonen_2002, Wolff_2007). These data indicate that the variant is very likely to be associated with disease. The following publications have been ascertained in the context of this evaluation (PMID: 10677297, 12050215, 17118990). ClinVar contains an entry for this variant (Variation ID: 188935). Based on the evidence outlined above, the variant was classified as pathogenic.

National Institute of Allergy and Infectious Diseases - Centralized Sequencing Program, National Institutes of Health
Classification: Pathogenic for APECED. Last evaluated: 2023-09-14. Review status: criteria provided, single submitter. Criteria: ACMG Guidelines, 2015. Collection method: clinical testing. Allele origin: germline. Affected: yes.

Blueprint Genetics
Classification: Pathogenic for AIRE-related disorders. Last evaluated: 2021-11-25. Review status: criteria provided, single submitter. Criteria: ACMG Guidelines, 2015. Collection method: clinical testing. Allele origin: germline. Affected: yes. Observed: 3 variant alleles.

GeneDx
Classification: Pathogenic. Last evaluated: 2016-12-16. Review status: criteria provided, single submitter. Criteria: GeneDx Variant Classification (06012015). Collection method: clinical testing. Allele origin: germline. Affected: yes.
Comment: The c.1249dupC variant in the AIRE gene has been reported previously in association with APECED (BjÃ¶rses et al., 2000). The c.1249dupC variant causes a frameshift starting with codon Leucine 417, changes this amino acid to a Proline residue, and creates a premature Stop codon at position 7 of the new reading frame, denoted p.Leu417ProfsX7. This variant is predicted to cause loss of normal protein function either through protein truncation or nonsense-mediated mRNA decay. The c.1249dupC variant was not observed in approximately 6,500 individuals of European and African American ancestry in the NHLBI Exome Sequencing Project, indicating it is not a common benign variant in these populations. Therefore, we consider c.1249dupC to be a pathogenic variant.

Counsyl
Classification: Likely pathogenic for Polyglandular autoimmune syndrome, type 1. Last evaluated: 2014-08-22. Review status: no assertion criteria provided. Collection method: literature only. Allele origin: unknown. Inheritance: Autosomal recessive inheritance. Not counted in ClinVar's aggregate classification.

Literature cited by the submitters: PubMed 11524731 (cited by Labcorp Genetics (formerly Invitae), Labcorp); PubMed 26141571 (cited by Labcorp Genetics (formerly Invitae), Labcorp); PubMed 10677297 (cited by 3 submitters); PubMed 17118990 (cited by 5 submitters); PubMed 28919897 (cited by Labcorp Genetics (formerly Invitae), Labcorp); PubMed 35521792 (cited by Ambry Genetics); PubMed 12050215 (cited by Women's Health and Genetics/Laboratory Corporation of America, LabCorp); PubMed 9837820 (cited by National Institute of Allergy and Infectious Diseases - Centralized Sequencing Program, National Institutes of Health); PubMed 21724609 (cited by Counsyl).

NM_000383.4(AIRE):c.1249dup (p.Leu417fs)

Gene: AIRE (autoimmune regulator; plus strand). Cytogenetic location: 21q22.3.
Variant type: Duplication.
Coding change: c.1249dup on transcript NM_000383.4 (MANE Select); coding-DNA position 1249, one base duplicated (C; older notation c.1249dupC).
Protein change: p.Leu417fs; shifts the reading frame from leucine 417.
Molecular consequence: frameshift variant.
Genome position (GRCh38, 1-based): chr21:44,293,146, C duplicated; the last of 5 consecutive C bases (chr21:44,293,142-44,293,146); duplicating any one gives the same sequence. VCF-style (leftmost placement, unchanged base first): chr21-44293141-A-AC. GRCh37 (hg19) VCF-style: chr21-45713024-A-AC.
Other names: c.1249dup (LRG_18t1); c.1249dupC (NM_000383.4); short protein forms L417fs.
Identifiers: ClinVar variation 188935 (VCV000188935.22), dbSNP rs786204567, ClinGen allele CA199101.